The following is an entry in ClinVar:

NM_001365088.1(SLC12A6):c.1217_1218delinsTC (p.Trp406Phe)

Gene: SLC12A6 (solute carrier family 12 member 6; minus strand). Cytogenetic location: 15q14.
Variant type: Indel.
Coding change: c.1217_1218delinsTC on transcript NM_001365088.1 (MANE Select); coding-DNA positions 1217 to 1218, GG replaced by TC.
Protein change: p.Trp406Phe; replaces tryptophan 406 with phenylalanine.
Molecular consequence: missense variant.
Genome position (GRCh38, 1-based): chr15:34,252,285-34,252,286, CC replaced by GA on the plus strand (GG replaced by TC on the coding strand, the reverse complement: SLC12A6 is on the minus strand). VCF-style: chr15-34252285-CC-GA. GRCh37 (hg19) VCF-style: chr15-34544486-CC-GA.
Other names: c.1040_1041delinsTC, p.Trp347Phe (NM_001042494.2, NM_001042495.2); c.1190_1191delinsTC, p.Trp397Phe (NM_001042496.2); c.1172_1173delinsTC, p.Trp391Phe (NM_001042497.2); c.1064_1065delinsTC, p.Trp355Phe (NM_005135.2); c.1217_1218delGGinsTC, p.Trp406Phe (NM_133647.1); c.1217_1218delinsTC, p.Trp406Phe (NM_133647.2); c.1217_1218delinsTC (NM_133647.1); short protein forms W355F, W391F, W397F, W406F, W347F.
Identifiers: ClinVar variation 2147241 (VCV002147241.5), dbSNP rs2509809285, ClinGen allele CA2580089296.

ClinVar aggregate classification (germline): Uncertain significance. Review status: criteria provided, multiple submitters, no conflicts (2 of 4 stars). 2 submissions from 2 submitters: Uncertain significance (2). Last evaluated 2026-06-16.

Submissions (2):

GeneDx
Classification: Uncertain significance. Last evaluated: 2026-06-16. Review status: criteria provided, single submitter. Criteria: GeneDx Variant Classification Process June 2021. Collection method: clinical testing. Allele origin: germline.
Comment: In silico analysis supports a deleterious effect on protein structure/function; This variant is associated with the following publications: (PMID: 41500801)

Labcorp Genetics (formerly Invitae), Labcorp
Classification: Uncertain significance. Last evaluated: 2024-07-29. Review status: criteria provided, single submitter. Criteria: Invitae Variant Classification Sherloc (09022015). Collection method: clinical testing. Allele origin: germline.
Comment: This sequence change replaces tryptophan, which is neutral and slightly polar, with phenylalanine, which is neutral and non-polar, at codon 406 of the SLC12A6 protein (p.Trp406Phe). This variant is present in population databases (no rsID available, gnomAD 0.007%). This variant has not been reported in the literature in individuals affected with SLC12A6-related conditions. ClinVar contains an entry for this variant (Variation ID: 2147241). An algorithm developed to predict the effect of missense changes on protein structure and function (PolyPhen-2) suggests that this variant is likely to be disruptive. In summary, the available evidence is currently insufficient to determine the role of this variant in disease. Therefore, it has been classified as a Variant of Uncertain Significance.